The following is an entry in ClinVar:

ClinVar aggregate classification (germline): Uncertain significance (1 of 4 stars; one submission).

Conditions:
Eichsfeld type congenital muscular dystrophy (CMYO3). Also called: Rigid spine muscular dystrophy 1; MYOPATHY, SEPN1-RELATED; SELENON-related myopathy; Congenital myopathy 3 with rigid spine. Identifiers: MedGen C0410180, MONDO:0100100, OMIM 602771.

Submission:

Labcorp Genetics (formerly Invitae), Labcorp
Classification: Uncertain significance for Eichsfeld type congenital muscular dystrophy. Last evaluated: 2025-02-25. Review status: criteria provided, single submitter. Criteria: Invitae Variant Classification Sherloc (09022015). Collection method: clinical testing. Allele origin: germline.
Comment: This sequence change replaces glycine, which is neutral and non-polar, with arginine, which is basic and polar, at codon 10 of the SELENON protein (p.Gly10Arg). The frequency data for this variant in the population databases is considered unreliable, as metrics indicate insufficient coverage at this position in the gnomAD database. This variant has not been reported in the literature in individuals affected with SELENON-related conditions. ClinVar contains an entry for this variant (Variation ID: 2140590). Experimental studies and prediction algorithms are not available or were not evaluated, and the functional significance of this variant is currently unknown. In summary, the available evidence is currently insufficient to determine the role of this variant in disease. Therefore, it has been classified as a Variant of Uncertain Significance.

NM_206926.2(SELENON):c.28G>A (p.Gly10Arg)

Gene: SELENON (selenoprotein N; plus strand). Cytogenetic location: 1p36.11.
Variant type: single nucleotide variant.
Coding change: c.28G>A on transcript NM_206926.2 (MANE Select); coding-DNA position 28, G replaced by A.
Protein change: p.Gly10Arg; replaces glycine 10 with arginine.
Molecular consequence: missense variant.
Genome position (GRCh38, 1-based): chr1:25,800,258, G>A. VCF-style: chr1-25800258-G-A. GRCh37 (hg19) VCF-style: chr1-26126749-G-A.
Other names: c.28G>A, p.Gly10Arg (NM_020451.3); short protein forms G10R.
Identifiers: ClinVar variation 2140590 (VCV002140590.4), dbSNP rs1174797000, ClinGen allele CA339105743.
Genomic context (GRCh38, chr1:25,800,258, plus strand): 5'-CCGGGCCGCCGGCAGCCGCCGCCAGCCGCAGCCATGGGCCGGGCCCGGCCGGGCCAACGC[G>A]GGCCGCCCAGCCCCGGCCCCGCCGCGCAGCCTCCCGCGCCACCGCGCCGCCGCGCCCGTT-3'
Protein context (NP_996809.1, residues 1-20): MGRARPGQR[Gly10Arg]PPSPGPAAQP